The following is an entry in ClinVar:

NM_001148.6(ANK2):c.2693+2287C>T

Gene: ANK2 (ankyrin 2; plus strand). Cytogenetic location: 4q26.
Variant type: single nucleotide variant.
Coding change: c.2693+2287C>T on transcript NM_001148.6 (MANE Select); 2287 bases into the intron after coding-DNA position 2693, C replaced by T.
Molecular consequence: intron variant. On other transcripts: missense variant (21).
Genome position (GRCh38, 1-based): chr4:113,313,686, C>T. VCF-style: chr4-113313686-C-T. GRCh37 (hg19) VCF-style: chr4-114234842-C-T.
Other names: c.2696C>T, p.Thr899Ile (NM_001354225.2, NM_001354235.2, NM_001354236.2 and 2 more transcripts); c.2741C>T, p.Thr914Ile (NM_001354230.2, NM_001354231.2, NM_001354237.2 and 2 more transcripts); c.2633C>T, p.Thr878Ile (NM_001354239.2, NM_001354244.2, NM_001354252.2 and 4 more transcripts); c.2486C>T, p.Thr829Ile (NM_001354269.3); c.2498C>T, p.Thr833Ile (NM_001354273.2); c.2684C>T, p.Thr895Ile (NM_001386148.2, NM_001386186.2); c.2657+2287C>T (NM_001386187.2); c.2651+2287C>T (NM_001386147.1, NM_001386160.1, NM_001354261.2); and 12 more; short protein forms T829I, T833I, T878I, T895I, T899I, T914I.
Identifiers: ClinVar variation 2634350 (VCV002634350.1), dbSNP rs911177893, ClinGen allele CA103811914.

ClinVar aggregate classification (germline): Uncertain significance (1 of 4 stars; one submission).

Conditions:
ANK2-related disorder. Also called: ANK2-related condition.

Allele frequency attached by ClinVar (database versions not stated): gnomAD 0.00004; 1000 Genomes Project 30x 0.00016.

Submission:

PreventionGenetics, part of Exact Sciences
Classification: Uncertain significance for ANK2-related condition. Last evaluated: 2023-05-15. Review status: criteria provided, single submitter. Criteria: ACMG Guidelines, 2015. Collection method: clinical testing. Allele origin: germline.
Comment: The ANK2 c.2486C>T variant is predicted to result in the amino acid substitution p.Thr829Ile. This variant is referred to as c.2693+2287C>T (intronic) with an alternate transcript NM_001148. To our knowledge, this variant has not been reported in the literature or in a large population database, indicating this variant is rare. At this time, the clinical significance of this variant is uncertain due to the absence of conclusive functional and genetic evidence.